The following is an entry in ClinVar:

NM_014714.4(IFT140):c.386T>G (p.Leu129Trp)

Genes: IFT140 (intraflagellar transport 140; minus strand), LOC105371046 (uncharacterized LOC105371046; plus strand). Cytogenetic location: 16p13.3.
Variant type: single nucleotide variant.
Coding change: c.386T>G on transcript NM_014714.4 (MANE Select); coding-DNA position 386, T replaced by G.
Protein change: p.Leu129Trp; replaces leucine 129 with tryptophan.
Molecular consequence: missense variant.
Genome position (GRCh38, 1-based): chr16:1,592,572, A>C on the plus strand (T>G on the coding strand, the complement: IFT140 is on the minus strand). VCF-style: chr16-1592572-A-C. GRCh37 (hg19) VCF-style: chr16-1642573-A-C.
Other names: short protein forms L129W.
Identifiers: ClinVar variation 391396 (VCV000391396.13), dbSNP rs773768491, ClinGen allele CA7814712.

ClinVar aggregate classification (germline): Conflicting classifications of pathogenicity. Review status: criteria provided, conflicting classifications (1 of 4 stars). 6 submissions from 6 submitters: Pathogenic (1); Uncertain significance (5). Last evaluated 2025-12-29.

Conditions:
IFT140-related disorder. Also called: IFT140-related condition.
Retinitis pigmentosa 80 (RP80). Identifiers: MedGen C4540439, MONDO:0054708, OMIM 617781.
Saldino-Mainzer syndrome (SRTD9). Also called: short-rib thoracic dysplasia 9 with or without polydactyly; Renal dysplasia, retinal pigmentary dystrophy, cerebellar ataxia and skeletal dysplasia; SHORT-RIB THORACIC DYSPLASIA 9 WITHOUT POLYDACTYLY; CONORENAL SYNDROME. Identifiers: Orphanet 140969, MedGen C1849437, MONDO:0009964, OMIM 266920.

Allele frequency attached by ClinVar (database versions not stated): TOPMed below 0.00001; gnomAD 0.00001; gnomAD exomes 0.00004 and 0.00008; ExAC 0.00007.
gnomAD v4.1: 24 of 1,614,012 alleles (0.0015%); highest among the groups gnomAD compares: Admixed American, 0.04%; 1 homozygote.

Submissions (6):

Labcorp Genetics (formerly Invitae), Labcorp
Classification: Pathogenic for Saldino-Mainzer syndrome. Last evaluated: 2025-12-29. Review status: criteria provided, single submitter. Criteria: Invitae Variant Classification Sherloc (09022015). Collection method: clinical testing. Allele origin: germline.
Comment: This sequence change replaces leucine, which is neutral and non-polar, with tryptophan, which is neutral and slightly polar, at codon 129 of the IFT140 protein (p.Leu129Trp). This variant is present in population databases (rs773768491, gnomAD 0.06%), including at least one homozygous and/or hemizygous individual. This missense change has been observed in individual(s) with retinitis pigmentosa (PMID: 31047384, 31736247; Internal data). In at least one individual the data is consistent with being in trans (on the opposite chromosome) from a pathogenic variant. ClinVar contains an entry for this variant (Variation ID: 391396). Invitae Evidence Modeling of protein sequence and biophysical properties (such as structural, functional, and spatial information, amino acid conservation, physicochemical variation, residue mobility, and thermodynamic stability) has been performed for this missense variant. However, the output from this modeling did not meet the statistical confidence thresholds required to predict the impact of this variant on IFT140 protein function. For these reasons, this variant has been classified as Pathogenic.

PreventionGenetics, part of Exact Sciences
Classification: Uncertain significance for IFT140-related condition. Last evaluated: 2025-08-11. Review status: criteria provided, single submitter. Criteria: ACMG Guidelines, 2015. Collection method: clinical testing. Allele origin: germline.
Comment: The IFT140 c.386T>G variant is predicted to result in the amino acid substitution p.Leu129Trp. This variant was reported in the compound heterozygous state in two individuals with retinal dystrophy (Table 1, Hariri et al. 2018. PubMed ID: 31047384; Table 2, Zenteno et al. 2019. PubMed ID: 31736247). This variant is reported in 0.055% of alleles in individuals of Latino descent in gnomAD, including one homozygote. Although we suspect that this variant may be pathogenic, at this time, the clinical significance of this variant is uncertain due to the absence of conclusive functional and genetic evidence.

Women's Health and Genetics/Laboratory Corporation of America, LabCorp
Classification: Uncertain significance. Last evaluated: 2025-05-22. Review status: criteria provided, single submitter. Criteria: LabCorp Variant Classification Summary - May 2015. Collection method: clinical testing. Allele origin: germline.
Comment: Variant summary: IFT140 c.386T>G (p.Leu129Trp) results in a non-conservative amino acid change in the encoded protein sequence. Algorithms developed to predict the effect of missense changes on protein structure and function all suggest that this variant is likely to be disruptive. The variant allele was found at a frequency of 8e-05 in 251092 control chromosomes in the gnomAD database, including one homozygote. This frequency is not significantly higher than estimated for a pathogenic variant in IFT140 causing Retinitis Pigmentosa (8e-05 vs 0.00063), allowing no conclusion about variant significance. c.386T>G has been reported in the literature in individuals affected with Retinitis Pigmentosa (example: Hariri_2018 and Zenteno_2019, internal data). These data indicate that the variant may be associated with disease. To our knowledge, no experimental evidence demonstrating an impact on protein function has been reported. The following publications have been ascertained in the context of this evaluation (PMID: 31047384, 31736247). ClinVar contains an entry for this variant (Variation ID: 391396). Based on the evidence outlined above, the variant was classified as VUS-possibly pathogenic.

Blueprint Genetics
Classification: Uncertain significance. Last evaluated: 2022-09-14. Review status: criteria provided, single submitter. Criteria: ACMG Guidelines, 2015. Collection method: clinical testing. Allele origin: germline.

Fulgent Genetics
Classification: Uncertain significance for Saldino-Mainzer syndrome; Retinitis pigmentosa 80. Last evaluated: 2022-02-02. Review status: criteria provided, single submitter. Criteria: ACMG Guidelines, 2015. Collection method: clinical testing. Allele origin: unknown.

GeneDx
Classification: Uncertain significance. Last evaluated: 2016-12-20. Review status: criteria provided, single submitter. Criteria: GeneDx Variant Classification (06012015). Collection method: clinical testing. Allele origin: germline. Affected: yes.
Comment: The L129W variant in the IFT140 gene has not been reported previously as a pathogenic variant, nor as a benign variant, to our knowledge. The L129W variant was not observed in approximately 6,500 individuals of European and African American ancestry in the NHLBI Exome Sequencing Project, indicating it is not a common benign variant in these populations. The L129W variant is a semi-conservative amino acid substitution, which may impact secondary protein structure as these residues differ in some properties. This substitution occurs at a position where amino acids with similar properties to Leucine are tolerated across species. In silico analysis is inconsistent in its predictions as to whether or not the variant is damaging to the protein structure/function. We interpret L129W as a variant of uncertain significance.

Literature cited by the submitters: PubMed 31047384 (cited by Labcorp Genetics (formerly Invitae), Labcorp and Women's Health and Genetics/Laboratory Corporation of America, LabCorp); PubMed 31736247 (cited by Labcorp Genetics (formerly Invitae), Labcorp and Women's Health and Genetics/Laboratory Corporation of America, LabCorp).